The following is an entry in ClinVar:

ClinVar aggregate classification (germline): Uncertain significance (1 of 4 stars; one submission).

Conditions:
Hereditary cancer-predisposing syndrome. Also called: Hereditary Cancer Syndrome; Hereditary neoplastic syndrome; Neoplastic Syndromes, Hereditary; Tumor predisposition. Identifiers: Orphanet 140162, MedGen C0027672, MeSH D009386, MONDO:0015356.

Submission:

Sema4
Classification: Uncertain significance for Hereditary cancer-predisposing syndrome. Last evaluated: 2022-03-13. Review status: criteria provided, single submitter. Criteria: Sema4 Curation Guidelines. Collection method: curation. Allele origin: germline.
Comment: The TSC2 c.2285T>G (p.L762W) variant has not been reported in the literature to our knowledge. This variant is not reported in the population database Genome Aggregation Database (PMID: 32461654). The variant has not been reported in ClinVar. In silico tools suggest the impact of the variant on protein function is deleterious, though these predictions have not been confirmed by functional studies. The evidence is insufficient to meet ACMG/AMP criteria for classifying the variant as benign or pathogenic. Thus, the clinical significance of this variant is currently uncertain.

NM_000548.5(TSC2):c.2285T>G (p.Leu762Trp)

Gene: TSC2 (TSC complex subunit 2; plus strand). Cytogenetic location: 16p13.3.
Variant type: single nucleotide variant.
Coding change: c.2285T>G on transcript NM_000548.5 (MANE Select); coding-DNA position 2285, T replaced by G.
Protein change: p.Leu762Trp; replaces leucine 762 with tryptophan.
Molecular consequence: missense variant.
Genome position (GRCh38, 1-based): chr16:2,072,913, T>G. VCF-style: chr16-2072913-T-G. GRCh37 (hg19) VCF-style: chr16-2122914-T-G.
Other names: c.2285T>G, p.Leu762Trp (NM_001077183.3, NM_001114382.3, NM_001363528.2 and 3 more transcripts); c.2174T>G, p.Leu725Trp (NM_001318827.2); c.2138T>G, p.Leu713Trp (NM_001318829.2); c.1685T>G, p.Leu562Trp (NM_001318831.2); c.2318T>G, p.Leu773Trp (NM_001318832.2); short protein forms L562W, L713W, L725W, L762W, L773W.
Identifiers: ClinVar variation 1692485 (VCV001692485.1), dbSNP rs2151327516, ClinGen allele CA394276581.